The following is an entry in ClinVar:

NM_002460.4(IRF4):c.23G>T (p.Arg8Leu)

Gene: IRF4 (interferon regulatory factor 4; plus strand). Cytogenetic location: 6p25.3.
Variant type: single nucleotide variant.
Coding change: c.23G>T on transcript NM_002460.4 (MANE Select); coding-DNA position 23, G replaced by T.
Protein change: p.Arg8Leu; replaces arginine 8 with leucine.
Molecular consequence: missense variant. On other transcripts: non-coding transcript variant (1).
Genome position (GRCh38, 1-based): chr6:393,175, G>T. VCF-style: chr6-393175-G-T. GRCh37 (hg19) VCF-style: chr6-393175-G-T.
Other names: c.23G>T, p.Arg8Leu (NM_001195286.2); short protein forms R8L.
Identifiers: ClinVar variation 1390195 (VCV001390195.8), dbSNP rs139884486, ClinGen allele CA3612606.

ClinVar aggregate classification (germline): Uncertain significance (1 of 4 stars; one submission).

Allele frequency attached by ClinVar (database versions not stated): 1000 Genomes Project 30x 0.00016; 1000 Genomes Project 0.00020.
gnomAD v4.1: 40 of 1,552,266 alleles (0.0026%); highest among the groups gnomAD compares: African/African-American, 0.052%; no homozygotes.

Submission:

Labcorp Genetics (formerly Invitae), Labcorp
Classification: Uncertain significance. Last evaluated: 2025-12-09. Review status: criteria provided, single submitter. Criteria: Invitae Variant Classification Sherloc (09022015). Collection method: clinical testing. Allele origin: germline.
Comment: This sequence change replaces arginine, which is basic and polar, with leucine, which is neutral and non-polar, at codon 8 of the IRF4 protein (p.Arg8Leu). This variant is present in population databases (rs139884486, gnomAD 0.05%). This variant has not been reported in the literature in individuals affected with IRF4-related conditions. ClinVar contains an entry for this variant (Variation ID: 1390195). An algorithm developed to predict the effect of missense changes on protein structure and function (PolyPhen-2) suggests that this variant is likely to be disruptive. In summary, the available evidence is currently insufficient to determine the role of this variant in disease. Therefore, it has been classified as a Variant of Uncertain Significance.